The following is an entry in ClinVar:

ClinVar aggregate classification (germline): Conflicting classifications of pathogenicity. Review status: criteria provided, conflicting classifications (1 of 4 stars). 5 submissions from 5 submitters: Uncertain significance (1); Benign (1). 3 of the submissions do not count toward it. Last evaluated 2017-04-27.

Conditions:
Dilated cardiomyopathy 1P (CMD1P). Identifiers: Orphanet 154, MedGen C1835928, MONDO:0012362, OMIM 609909.

Allele frequency attached by ClinVar (database versions not stated): 1000 Genomes Project 0.00060; 1000 Genomes Project 30x 0.00062; TOPMed 0.00064; gnomAD 0.00073 and 0.00076; gnomAD exomes 0.00087.
gnomAD v4.1: 1,201 of 1,417,476 alleles (0.085%); highest among the groups gnomAD compares: Non-Finnish European, 0.11%; 1 homozygote.

Submissions (5):

Illumina Laboratory Services, Illumina
Classification: Uncertain significance for Dilated cardiomyopathy 1P. Last evaluated: 2017-04-27. Review status: criteria provided, single submitter. Criteria: ICSL Variant Classification Criteria 13 December 2019. Collection method: clinical testing. Allele origin: germline.
Comment: This variant was observed as part of a predisposition screen in an ostensibly healthy population. A literature search was performed for the gene, cDNA change, and amino acid change (where applicable). Publications were found based on this search. However, the evidence from the literature, in combination with allele frequency data from public databases where available, was not sufficient to rule this variant in or out of causing disease. Therefore, this variant is classified as a variant of unknown significance.

GeneDx
Classification: Benign. Last evaluated: 2015-03-03. Review status: criteria provided, single submitter. Criteria: GeneDx Variant Classification Process June 2021. Collection method: clinical testing. Allele origin: germline. Affected: yes.

Clinical Genetics DNA and cytogenetics Diagnostics Lab, Erasmus MC, Erasmus Medical Center
Classification: Likely benign. Review status: no assertion criteria provided. Collection method: clinical testing. Allele origin: germline. Affected: yes. Study: VKGL Data-share Consensus. Not counted in ClinVar's aggregate classification.

Genome Diagnostics Laboratory, University Medical Center Utrecht
Classification: Benign. Review status: no assertion criteria provided. Collection method: clinical testing. Allele origin: germline. Affected: yes. Study: VKGL Data-share Consensus. Not counted in ClinVar's aggregate classification.

Joint Genome Diagnostic Labs from Nijmegen and Maastricht, Radboudumc and MUMC+
Classification: Likely benign. Review status: no assertion criteria provided. Collection method: clinical testing. Allele origin: germline. Affected: yes. Study: VKGL Data-share Consensus. Not counted in ClinVar's aggregate classification.

Literature cited by the submitters: PubMed 25928149 (cited by Illumina Laboratory Services, Illumina).

NM_002667.5(PLN):c.-56C>T

Genes: CEP85L (centrosomal protein 85L; minus strand), PLN (phospholamban; plus strand). Cytogenetic location: 6q22.31.
Variant type: single nucleotide variant.
Coding change: c.-56C>T on transcript NM_002667.5 (MANE Select); 56 bases upstream of the start codon, C replaced by T.
Molecular consequence: 5 prime UTR variant. On other transcripts: intron variant (3).
Genome position (GRCh38, 1-based): chr6:118,558,866, C>T. VCF-style: chr6-118558866-C-T. GRCh37 (hg19) VCF-style: chr6-118880029-C-T.
Other names: c.1029+6663G>A (NM_001178035.2); c.1020+6663G>A (NM_001042475.3, NM_206921.3).
Identifiers: ClinVar variation 906401 (VCV000906401.9), dbSNP rs189611501, ClinGen allele CA146529605.